The following is an entry in ClinVar:

NM_000393.5(COL5A2):c.3387C>A (p.Asp1129Glu)

Gene: COL5A2 (collagen type V alpha 2 chain; minus strand). Cytogenetic location: 2q32.2.
Variant type: single nucleotide variant.
Coding change: c.3387C>A on transcript NM_000393.5 (MANE Select); coding-DNA position 3387, C replaced by A.
Protein change: p.Asp1129Glu; replaces aspartic acid 1129 with glutamic acid.
Molecular consequence: missense variant.
Genome position (GRCh38, 1-based): chr2:189,043,235, G>T on the plus strand (C>A on the coding strand, the complement: COL5A2 is on the minus strand). VCF-style: chr2-189043235-G-T. GRCh37 (hg19) VCF-style: chr2-189907961-G-T.
Other names: short protein forms D1129E.
Identifiers: ClinVar variation 3652358 (VCV003652358.2).

ClinVar aggregate classification (germline): Uncertain significance (1 of 4 stars; one submission).

Conditions:
Ehlers-Danlos syndrome, classic type, 1 (EDSCL1). Also called: EHLERS-DANLOS SYNDROME, GRAVIS TYPE; EHLERS-DANLOS SYNDROME, SEVERE CLASSIC TYPE; Ehlers-Danlos syndrome, type 1; Ehlers-Danlos Syndrome, Classic Type, COL5A1-Related; EDS I. Identifiers: MedGen C0268335, MONDO:0019567, OMIM 130000.

Submission:

Labcorp Genetics (formerly Invitae), Labcorp
Classification: Uncertain significance for Ehlers-Danlos syndrome, classic type, 1. Last evaluated: 2024-05-06. Review status: criteria provided, single submitter. Criteria: Invitae Variant Classification Sherloc (09022015). Collection method: clinical testing. Allele origin: germline.
Comment: This sequence change replaces aspartic acid, which is acidic and polar, with glutamic acid, which is acidic and polar, at codon 1129 of the COL5A2 protein (p.Asp1129Glu). This variant is not present in population databases (gnomAD no frequency). This variant has not been reported in the literature in individuals affected with COL5A2-related conditions. Advanced modeling of protein sequence and biophysical properties (such as structural, functional, and spatial information, amino acid conservation, physicochemical variation, residue mobility, and thermodynamic stability) performed at Invitae indicates that this missense variant is not expected to disrupt COL5A2 protein function with a negative predictive value of 80%. In summary, the available evidence is currently insufficient to determine the role of this variant in disease. Therefore, it has been classified as a Variant of Uncertain Significance.